The following is an entry in ClinVar:

NM_014634.4(PPM1F):c.958G>A (p.Gly320Arg)

Gene: PPM1F (protein phosphatase, Mg2+/Mn2+ dependent 1F; minus strand). Cytogenetic location: 22q11.22.
Variant type: single nucleotide variant.
Coding change: c.958G>A on transcript NM_014634.4 (MANE Select); coding-DNA position 958, G replaced by A.
Protein change: p.Gly320Arg; replaces glycine 320 with arginine.
Molecular consequence: missense variant.
Genome position (GRCh38, 1-based): chr22:21,925,596, C>T on the plus strand (G>A on the coding strand, the complement: PPM1F is on the minus strand). VCF-style: chr22-21925596-C-T. GRCh37 (hg19) VCF-style: chr22-22279969-C-T.
Other names: c.454G>A, p.Gly152Arg (NM_001410836.1); c.958G>A (NM_014634.3); short protein forms G320R, G152R.
Identifiers: ClinVar variation 3635005 (VCV003635005.3).
Genomic context (GRCh38, chr22:21,925,596, plus strand): 5'-TCTCCCACTTGGGTCGGCCTCTTTGGCTCTCACCGATGGCTCTGGAGACGGCCAGGGTCC[C>T]GTTGACTCTCCAGCAGTCCATGTGAGACACAAAGCCACCCAATGCTTCAATGCGCGCCTT-3'
Protein context (NP_055449.1, residues 310-330): VSHMDCWRVN[Gly320Arg]TLAVSRAIGD

ClinVar aggregate classification (germline): Uncertain significance. Review status: criteria provided, multiple submitters, no conflicts (2 of 4 stars). 2 submissions from 2 submitters: Uncertain significance (2). Last evaluated 2025-05-04.

gnomAD v4.1: 25 of 1,613,668 alleles (0.0015%); highest among the groups gnomAD compares: East Asian, 0.036%; no homozygotes.

Submissions (2):

Ambry Genetics
Classification: Uncertain significance. Last evaluated: 2025-05-04. Review status: criteria provided, single submitter. Criteria: Ambry Variant Classification Scheme 2023. Collection method: clinical testing. Allele origin: germline.

Labcorp Genetics (formerly Invitae), Labcorp
Classification: Uncertain significance. Last evaluated: 2024-06-17. Review status: criteria provided, single submitter. Criteria: Invitae Variant Classification Sherloc (09022015). Collection method: clinical testing. Allele origin: germline.
Comment: This sequence change replaces glycine, which is neutral and non-polar, with arginine, which is basic and polar, at codon 320 of the PPM1F protein (p.Gly320Arg). This variant is present in population databases (rs573839921, gnomAD 0.1%), and has an allele count higher than expected for a pathogenic variant. This variant has not been reported in the literature in individuals affected with PPM1F-related conditions. An algorithm developed to predict the effect of missense changes on protein structure and function (PolyPhen-2) suggests that this variant is likely to be disruptive. In summary, the available evidence is currently insufficient to determine the role of this variant in disease. Therefore, it has been classified as a Variant of Uncertain Significance.